The following is an entry in ClinVar:

ClinVar aggregate classification (germline): Uncertain significance (1 of 4 stars; one submission).

Conditions:
Granulomatous disease, chronic, autosomal recessive, cytochrome b-positive, type 3. Also called: Granulomatous disease, chronic, autosomal recessive, cytochrome b-positive, type III; GRANULOMATOUS DISEASE, CHRONIC, AUTOSOMAL RECESSIVE, 3; CGD, AUTOSOMAL RECESSIVE CYTOCHROME b-POSITIVE, TYPE III; GRANULOMATOUS DISEASE, CHRONIC, DUE TO NCF4 DEFICIENCY. Identifiers: Orphanet 379, MedGen C3151409, MONDO:0013507, OMIM 613960.

Allele frequency attached by ClinVar (database versions not stated): gnomAD exomes 0.00001; ExAC 0.00002.

Submission:

Labcorp Genetics (formerly Invitae), Labcorp
Classification: Uncertain significance for Granulomatous disease, chronic, autosomal recessive, cytochrome b-positive, type 3. Last evaluated: 2018-12-18. Review status: criteria provided, single submitter. Criteria: Invitae Variant Classification Sherloc (09022015). Collection method: clinical testing. Allele origin: germline.
Comment: This sequence change replaces aspartic acid with asparagine at codon 235 of the NCF4 protein (p.Asp235Asn). The aspartic acid residue is moderately conserved and there is a small physicochemical difference between aspartic acid and asparagine. In summary, the available evidence is currently insufficient to determine the role of this variant in disease. Therefore, it has been classified as a Variant of Uncertain Significance. Algorithms developed to predict the effect of missense changes on protein structure and function are either unavailable or do not agree on the potential impact of this missense change (SIFT: "Tolerated"; PolyPhen-2: "Possibly Damaging"; Align-GVGD: "Class C0"). This variant has not been reported in the literature in individuals with NCF4-related conditions. This variant is present in population databases (rs867342643, ExAC 0.009%).

NM_000631.5(NCF4):c.703G>A (p.Asp235Asn)

Gene: NCF4 (neutrophil cytosolic factor 4; plus strand). Cytogenetic location: 22q12.3.
Variant type: single nucleotide variant.
Coding change: c.703G>A on transcript NM_000631.5 (MANE Select); coding-DNA position 703, G replaced by A.
Protein change: p.Asp235Asn; replaces aspartic acid 235 with asparagine.
Molecular consequence: missense variant.
Genome position (GRCh38, 1-based): chr22:36,875,728, G>A. VCF-style: chr22-36875728-G-A. GRCh37 (hg19) VCF-style: chr22-37271770-G-A.
Other names: c.703G>A, p.Asp235Asn (NM_013416.4); short protein forms D235N.
Identifiers: ClinVar variation 650163 (VCV000650163.9), dbSNP rs867342643, ClinGen allele CA10213139.